The following is an entry in ClinVar:

NM_000337.6(SGCD):c.*2712T>C

Gene: SGCD (sarcoglycan delta; plus strand). Cytogenetic location: 5q33.3.
Variant type: single nucleotide variant.
Coding change: c.*2712T>C on transcript NM_000337.6 (MANE Select); 2712 bases downstream of the stop codon, T replaced by C.
Molecular consequence: 3 prime UTR variant.
Genome position (GRCh38, 1-based): chr5:156,762,102, T>C. VCF-style: chr5-156762102-T-C. GRCh37 (hg19) VCF-style: chr5-156189113-T-C.
Other names: c.*2712T>C (NM_001128209.2).
Identifiers: ClinVar variation 352364 (VCV000352364.7), dbSNP rs56293630, ClinGen allele CA10619789.

ClinVar aggregate classification (germline): Benign/Likely benign. Review status: criteria provided, multiple submitters, no conflicts (2 of 4 stars). 2 submissions from 2 submitters: Benign (1); Likely benign (1). Last evaluated 2018-01-13.

Conditions:
Qualitative or quantitative defects of delta-sarcoglycan. Identifiers: Orphanet 207070, MedGen C5680806, MONDO:0016144.

Allele frequency attached by ClinVar (database versions not stated): gnomAD exomes 0.03953; gnomAD 0.08320 and 0.08538; TOPMed 0.09314; 1000 Genomes Project 0.09904; 1000 Genomes Project 30x 0.10212.
gnomAD v4.1: 12,624 of 152,486 alleles (8.3%); highest among the groups gnomAD compares: African/African-American, 18%; 866 homozygotes.

Submissions (2):

Illumina Laboratory Services, Illumina
Classification: Benign for Qualitative or quantitative defects of delta-sarcoglycan. Last evaluated: 2018-01-13. Review status: criteria provided, single submitter. Criteria: ICSL Variant Classification Criteria 13 December 2019. Collection method: clinical testing. Allele origin: germline.
Comment: This variant was observed in the ICSL laboratory as part of a predisposition screen in an ostensibly healthy population. It had not been previously curated by ICSL or reported in the Human Gene Mutation Database (HGMD: prior to June 1st, 2018), and was therefore a candidate for classification through an automated scoring system. Utilizing variant allele frequency, disease prevalence and penetrance estimates, and inheritance mode, an automated score was calculated to assess if this variant is too frequent to cause the disease. Based on the score and internal cut-off values, a variant classified as benign is not then subjected to further curation. The score for this variant resulted in a classification of benign for this disease.

Breakthrough Genomics
Classification: Likely benign. Review status: criteria provided, single submitter. Criteria: ACMG Guidelines, 2015. Collection method: not provided. Allele origin: germline. Inheritance: Autosomal recessive inheritance. Affected: yes.